The following is an entry in ClinVar:

ClinVar aggregate classification (germline): Conflicting classifications of pathogenicity. Review status: criteria provided, conflicting classifications (1 of 4 stars). 4 submissions from 4 submitters: Uncertain significance (1); Likely benign (3). Last evaluated 2025-11-19.

Conditions:
Cardiovascular phenotype. Identifiers: MedGen CN230736.
Brugada syndrome 5 (BRGDA5). Identifiers: Orphanet 130, Orphanet 871, MedGen C2748541, MONDO:0013015, OMIM 612838.

Allele frequency attached by ClinVar (database versions not stated): TOPMed 0.00001.

Submissions (4):

Ambry Genetics
Classification: Uncertain significance for Cardiovascular phenotype. Last evaluated: 2025-11-19. Review status: criteria provided, single submitter. Criteria: Ambry Variant Classification Scheme 2023. Collection method: clinical testing. Allele origin: germline.
Comment: The c.522C>T variant (also known as p.L174L), located in coding exon 4 of the SCN1B gene, results from a C to T substitution at nucleotide position 522. This nucleotide substitution does not change the leucine at codon 174. This nucleotide position is poorly conserved in available vertebrate species. In silico splice site analysis for this alteration is inconclusive. Based on the available evidence, the clinical significance of this variant remains unclear.

Labcorp Genetics (formerly Invitae), Labcorp
Classification: Likely benign for Brugada syndrome 5. Last evaluated: 2025-05-09. Review status: criteria provided, single submitter. Criteria: Invitae Variant Classification Sherloc (09022015). Collection method: clinical testing. Allele origin: germline.

CeGaT Center for Human Genetics Tuebingen
Classification: Likely benign. Last evaluated: 2020-12-01. Review status: criteria provided, single submitter. Criteria: CeGaT Center For Human Genetics Tuebingen Variant Classification Criteria Version 2. Collection method: clinical testing. Allele origin: germline. Affected: yes. Observed: 1 variant allele.

GeneDx
Classification: Likely benign. Last evaluated: 2017-09-27. Review status: criteria provided, single submitter. Criteria: GeneDx Variant Classification (06012015). Collection method: clinical testing. Allele origin: germline. Affected: yes.
Comment: This variant is considered likely benign or benign based on one or more of the following criteria: it is a conservative change, it occurs at a poorly conserved position in the protein, it is predicted to be benign by multiple in silico algorithms, and/or has population frequency not consistent with disease.

NM_001037.5(SCN1B):c.522C>T (p.Leu174=)

Gene: SCN1B (sodium voltage-gated channel beta subunit 1; plus strand). Cytogenetic location: 19q13.11.
Variant type: single nucleotide variant.
Coding change: c.522C>T on transcript NM_001037.5 (MANE Select); coding-DNA position 522, C replaced by T.
Protein change: p.Leu174=; no amino-acid change (leucine 174 retained).
Molecular consequence: synonymous variant.
Genome position (GRCh38, 1-based): chr19:35,039,190, C>T. VCF-style: chr19-35039190-C-T. GRCh37 (hg19) VCF-style: chr19-35530094-C-T.
Other names: c.423C>T, p.Leu141= (NM_001321605.2).
Identifiers: ClinVar variation 516927 (VCV000516927.46), dbSNP rs35478147, ClinGen allele CA9372089.